The following is an entry in ClinVar:

NM_002465.4(MYBPC1):c.2813G>A (p.Arg938His)

Gene: MYBPC1 (myosin binding protein C1; plus strand). Cytogenetic location: 12q23.2.
Variant type: single nucleotide variant.
Coding change: c.2813G>A on transcript NM_002465.4 (MANE Select); coding-DNA position 2813, G replaced by A.
Protein change: p.Arg938His; replaces arginine 938 with histidine.
Molecular consequence: missense variant.
Genome position (GRCh38, 1-based): chr12:101,675,295, G>A. VCF-style: chr12-101675295-G-A. GRCh37 (hg19) VCF-style: chr12-102069073-G-A.
Other names: c.2792G>A, p.Arg931His (NM_001254718.3, NM_206820.4); c.2738G>A, p.Arg913His (NM_001254719.3, NM_206821.4); c.2702G>A, p.Arg901His (NM_001254720.3); c.2681G>A, p.Arg894His (NM_001254721.3, NM_001404676.1, NM_001404678.1); c.2660G>A, p.Arg887His (NM_001254722.3, NM_001404680.1); c.2699G>A, p.Arg900His (NM_001254723.3); c.2813G>A, p.Arg938His (NM_001404675.1, NM_206819.4); c.2603G>A, p.Arg868His (NM_001404677.1, NM_001404679.1, NM_001404681.1); short protein forms R868H, R887H, R894H, R900H, R901H, R913H, R931H, R938H.
Identifiers: ClinVar variation 4086507 (VCV004086507.1).
Genomic context (GRCh38, chr12:101,675,295, plus strand): 5'-AAATGTAGACTGGGAAAGAAAGTGACCTTGCAGTGACACCATGAATTCATCCTGTAGACC[G>A]TCCAGGTCCACCCCAAATTGTGAAGATTGAGGATGTCTGGGGAGAAAATGTCGCTCTCAC-3'
Protein context (NP_002456.2, residues 928-948): TASIDIQIID[Arg938His]PGPPQIVKIE

ClinVar aggregate classification (germline): Uncertain significance (1 of 4 stars; one submission).

gnomAD v4.1: 17 of 1,613,924 alleles (0.0011%); highest among the groups gnomAD compares: African/African-American, 0.004%; no homozygotes.

Submission:

GeneDx
Classification: Uncertain significance. Last evaluated: 2025-03-18. Review status: criteria provided, single submitter. Criteria: GeneDx Variant Classification Process June 2021. Collection method: clinical testing. Allele origin: germline. Affected: yes.
Comment: Observed as apparently de novo variant in individual with autism; however no further clinical information was provided (PMID: 35982160, 35982159); In silico analysis supports that this missense variant has a deleterious effect on protein structure/function; This variant is associated with the following publications: (PMID: 35982160, 35982159)